The following is an entry in ClinVar:

NM_001368882.1(COL13A1):c.1798-3C>T

Gene: COL13A1 (collagen type XIII alpha 1 chain; plus strand). Cytogenetic location: 10q22.1.
Variant type: single nucleotide variant.
Coding change: c.1798-3C>T on transcript NM_001368882.1 (MANE Select); 3 bases into the intron before coding-DNA position 1798, C replaced by T.
Molecular consequence: intron variant.
Genome position (GRCh38, 1-based): chr10:69,937,632, C>T. VCF-style: chr10-69937632-C-T. GRCh37 (hg19) VCF-style: chr10-71697388-C-T.
Other names: p.?; c.1690-3C>T (NM_001320951.2); c.1648-3C>T (NM_001368884.1); c.1765-3C>T (NM_001130103.2); c.1699-3C>T (NM_080801.4); c.1654-3C>T (NM_080802.4); c.1708-3C>T (NM_080800.4); c.1090-3C>T (NM_001368886.1); and 8 more.
Identifiers: ClinVar variation 715581 (VCV000715581.13), dbSNP rs181488392, ClinGen allele CA5534945.

ClinVar aggregate classification (germline): Benign. Review status: criteria provided, multiple submitters, no conflicts (2 of 4 stars). 3 submissions from 3 submitters: Benign (3). Last evaluated 2026-01-16.

Allele frequency attached by ClinVar (database versions not stated): ESP Exome Variant Server 0.00149; gnomAD 0.00195 and 0.00285; TOPMed 0.00245; gnomAD exomes 0.00333 and 0.00574; ExAC 0.00627; 1000 Genomes Project 30x 0.00921; 1000 Genomes Project 0.00998.
gnomAD v4.1: 4,869 of 1,452,116 alleles (0.34%); highest among the groups gnomAD compares: South Asian, 3.2%; 76 homozygotes.

Submissions (4):

Labcorp Genetics (formerly Invitae), Labcorp
Classification: Benign. Last evaluated: 2026-01-16. Review status: criteria provided, single submitter. Criteria: Invitae Variant Classification Sherloc (09022015). Collection method: clinical testing. Allele origin: germline.

Mayo Clinic Laboratories, Mayo Clinic
Classification: Benign. Last evaluated: 2025-06-24. Review status: criteria provided, single submitter. Criteria: ACMG Guidelines, 2015. Collection method: clinical testing. Allele origin: germline. Observed: 2 variant alleles.
Comment: BS1, BS2, BP4

Breakthrough Genomics
Classification: Benign. Review status: criteria provided, single submitter. Criteria: ACMG Guidelines, 2015. Collection method: not provided. Allele origin: germline. Inheritance: Autosomal recessive inheritance. Affected: yes.

Dr. Peter K. Rogan Lab, Western University
No classification provided (evidence only). Condition: Familial cancer of breast. Review status: no classification provided. Collection method: in vitro. Allele origin: not applicable. Functional consequence: retained intron. Not counted in ClinVar's aggregate classification.